The following is an entry in ClinVar:

ClinVar aggregate classification (germline): Uncertain significance (1 of 4 stars; one submission).

gnomAD v4.1: 2 of 1,608,984 alleles (0.00012%); highest among the groups gnomAD compares: Non-Finnish European, 0.00017%; no homozygotes.

Submission:

Labcorp Genetics (formerly Invitae), Labcorp
Classification: Uncertain significance. Last evaluated: 2022-08-01. Review status: criteria provided, single submitter. Criteria: Invitae Variant Classification Sherloc (09022015). Collection method: clinical testing. Allele origin: germline.
Comment: In summary, the available evidence is currently insufficient to determine the role of this variant in disease. Therefore, it has been classified as a Variant of Uncertain Significance. Algorithms developed to predict the effect of missense changes on protein structure and function (SIFT, PolyPhen-2, Align-GVGD) all suggest that this variant is likely to be tolerated. ClinVar contains an entry for this variant (Variation ID: 967637). This variant has not been reported in the literature in individuals affected with PRPF4-related conditions. This variant is present in population databases (rs374906997, gnomAD 0.003%). This sequence change replaces serine, which is neutral and polar, with proline, which is neutral and non-polar, at codon 155 of the PRPF4 protein (p.Ser155Pro).

NM_001244926.2(PRPF4):c.460T>C (p.Ser154Pro)

Gene: PRPF4 (pre-mRNA splicing tri-snRNP complex factor PRPF4; plus strand). Cytogenetic location: 9q32.
Variant type: single nucleotide variant.
Coding change: c.460T>C on transcript NM_001244926.2 (MANE Select); coding-DNA position 460, T replaced by C.
Protein change: p.Ser154Pro; replaces serine 154 with proline.
Molecular consequence: missense variant. On other transcripts: 5 prime UTR variant (2), non-coding transcript variant (2).
Genome position (GRCh38, 1-based): chr9:113,282,713, T>C. VCF-style: chr9-113282713-T-C. GRCh37 (hg19) VCF-style: chr9-116044993-T-C.
Other names: c.-306T>C (NM_001322266.2, NM_001322267.2); c.463T>C, p.Ser155Pro (NM_004697.5); short protein forms S154P, S155P.
Identifiers: ClinVar variation 967637 (VCV000967637.7), dbSNP rs374906997, ClinGen allele CA5194862.